The following is an entry in ClinVar:

NM_000284.4(PDHA1):c.212T>C (p.Val71Ala)

Gene: PDHA1 (pyruvate dehydrogenase E1 subunit alpha 1; plus strand). Cytogenetic location: Xp22.12.
Variant type: single nucleotide variant.
Coding change: c.212T>C on transcript NM_000284.4 (MANE Select); coding-DNA position 212, T replaced by C.
Protein change: p.Val71Ala; replaces valine 71 with alanine.
Molecular consequence: missense variant.
Genome position (GRCh38, 1-based): chrX:19,350,031, T>C. VCF-style: chrX-19350031-T-C. GRCh37 (hg19) VCF-style: chrX-19368149-T-C.
Other names: c.326T>C, p.Val109Ala (NM_001173454.2); c.212T>C, p.Val71Ala (NM_001173455.2, NM_001173456.2); short protein forms V109A, V71A.
Identifiers: ClinVar variation 4070298 (VCV004070298.1).

ClinVar aggregate classification (germline): Likely pathogenic (0 of 4 stars; one submission).

Conditions:
Pyruvate dehydrogenase E1-alpha deficiency (PDHAD). Also called: ATAXIA, INTERMITTENT, WITH PYRUVATE DEHYDROGENASE DEFICIENCY; ATAXIA WITH LACTIC ACIDOSIS I; ATAXIA, INTERMITTENT, WITH ABNORMAL PYRUVATE METABOLISM; Ataxia, intermittent, with pyruvate dehydrogenase, or decarboxylase, deficiency. Identifiers: Orphanet 79243, MedGen C1839413, MONDO:0010717, OMIM 312170.

Submission:

PDHA1 Study Group, University Children’s Hospital, Paracelsus Medical University
Classification: Likely pathogenic for Pyruvate dehydrogenase E1-alpha deficiency. Last evaluated: 2024-10-15. Review status: no assertion criteria provided. Collection method: research. Allele origin: de novo. Affected: yes. Observed: 1 variant allele.
Comment: The NM_000284.3:c.212T>C (p.Val71Ala) substitution is a missense variant in PDHA1 gene. Among them, 1 case had confirmed de novo occurrence. The variant has been reported in 1 published case (PMIDs: 12163191). Last literature search: July 12, 2024. This variant is absent or extremely rare in population-based cohorts in the Genome Aggregation Database (gnomAD). Individuals harboring this variant presented with clinical features compatible with PDHA1-related PDHc deficiency. In summary, this variant meets criteria to be classified as likely pathogenic (LP) for PDHA1-related PDHc deficiency based on the ACMG/AMP criteria applied: PS2, PM2, PM7, PP3 (last assessment October 15, 2024).

Literature cited by the submitters: PubMed 12163191; DOI 10.1093/brain/awaf430.